The following is an entry in ClinVar:

NM_000521.4(HEXB):c.617T>A (p.Leu206Ter)

Gene: HEXB (hexosaminidase subunit beta; plus strand). Cytogenetic location: 5q13.3.
Variant type: single nucleotide variant.
Coding change: c.617T>A on transcript NM_000521.4 (MANE Select); coding-DNA position 617, T replaced by A.
Protein change: p.Leu206Ter; replaces leucine 206 with a stop codon.
Molecular consequence: nonsense. On other transcripts: 5 prime UTR variant (1).
Genome position (GRCh38, 1-based): chr5:74,697,054, T>A. VCF-style: chr5-74697054-T-A. GRCh37 (hg19) VCF-style: chr5-73992879-T-A.
Other names: c.-59T>A (NM_001292004.2); short protein forms L206*.
Identifiers: ClinVar variation 1726398 (VCV001726398.2), dbSNP rs2478712407, ClinGen allele CA360064004.

ClinVar aggregate classification (germline): Likely pathogenic (1 of 4 stars; one submission).

Conditions:
Sandhoff disease. Also called: GM2-GANGLIOSIDOSIS, TYPE II; HEXOSAMINIDASES A AND B DEFICIENCY; Beta-hexosaminidase-beta-subunit deficiency; GM2 gangliosidosis, type 2; Total hexosaminidase deficiency; Sandhoff-Jatzkewitz-Pilz disease. Identifiers: Orphanet 796, MedGen C0036161, MONDO:0010006, OMIM 268800.

Submission:

Myriad Genetics, Inc.
Classification: Likely pathogenic for Sandhoff disease. Last evaluated: 2021-12-17. Review status: criteria provided, single submitter. Criteria: Myriad Women's Health Autosomal Recessive and X-Linked Classification Criteria (2021). Collection method: clinical testing. Allele origin: unknown.
Comment: NM_000521.3(HEXB):c.617T>A(L206*) is expected to be pathogenic in the context of Sandhoff disease. This variant is predicted to lead to an abnormal or absent protein product due to the creation of a premature termination codon in HEXB, a gene where loss-of-function variants are known to be pathogenic. Please note: this variant was assessed in the context of healthy population screening.